The following is an entry in ClinVar:

NM_006204.4(PDE6C):c.2448TGA[3] (p.Asp817dup)

Gene: PDE6C (phosphodiesterase 6C; plus strand). Cytogenetic location: 10q23.33.
Variant type: Microsatellite.
Coding change: c.2448TGA[3] on transcript NM_006204.4 (MANE Select); three copies in a row of the 3-base unit TGA starting at c.2448; the reference has two copies in a row; one copy, 3 bases duplicated.
Protein change: p.Asp817dup; duplicates aspartic acid 817.
Molecular consequence: inframe insertion.
Genome position (GRCh38, 1-based): chr10:93,663,111-93,663,113, TGA duplicated; duplicating any 3 consecutive bases within chr10:93,663,108-93,663,113 gives the same sequence; the position shown is the placement nearest the transcript's 3' end. VCF-style (leftmost placement, unchanged base first): chr10-93663107-C-CTGA. GRCh37 (hg19) VCF-style: chr10-95422864-C-CTGA.
Identifiers: ClinVar variation 1036831 (VCV001036831.9), dbSNP rs2058673911, ClinGen allele CA1928709287.
Genomic context (GRCh38, chr10:93,663,107, plus strand): 5'-AAGAAATCACACCTATGCTGAGTGGTCTTCAGAATAACAGAGTAGAATGGAAATCACTAG[C>CTGA]TGATGAGTATGATGCAAAGATGAAGGTCATTGAAGAGGAGGCAAAAAAGCAAGAAGGAGG-3'

ClinVar aggregate classification (germline): Uncertain significance (1 of 4 stars; one submission).

Submission:

Labcorp Genetics (formerly Invitae), Labcorp
Classification: Uncertain significance. Last evaluated: 2024-10-21. Review status: criteria provided, single submitter. Criteria: Invitae Variant Classification Sherloc (09022015). Collection method: clinical testing. Allele origin: germline.
Comment: This variant, c.2451_2453dup, results in the insertion of 1 amino acid(s) of the PDE6C protein (p.Asp817dup), but otherwise preserves the integrity of the reading frame. This variant is not present in population databases (gnomAD no frequency). This variant has not been reported in the literature in individuals affected with PDE6C-related conditions. In summary, the available evidence is currently insufficient to determine the role of this variant in disease. Therefore, it has been classified as a Variant of Uncertain Significance.